The following is an entry in ClinVar:

NM_000222.3(KIT):c.391G>T (p.Asp131Tyr)

Gene: KIT (KIT proto-oncogene, receptor tyrosine kinase; plus strand). Cytogenetic location: 4q12.
Variant type: single nucleotide variant.
Coding change: c.391G>T on transcript NM_000222.3 (MANE Select); coding-DNA position 391, G replaced by T.
Protein change: p.Asp131Tyr; replaces aspartic acid 131 with tyrosine.
Molecular consequence: missense variant.
Genome position (GRCh38, 1-based): chr4:54,698,337, G>T. VCF-style: chr4-54698337-G-T. GRCh37 (hg19) VCF-style: chr4-55564503-G-T.
Other names: c.391G>T, p.Asp131Tyr (NM_001385286.1, NM_001385288.1, NM_001385290.1 and 4 more transcripts); short protein forms D131Y.
Identifiers: ClinVar variation 1736189 (VCV001736189.3), dbSNP rs1044091916, ClinGen allele CA356897489.

ClinVar aggregate classification (germline): Uncertain significance (1 of 4 stars; one submission).

Conditions:
Hereditary cancer-predisposing syndrome. Also called: Neoplastic Syndromes, Hereditary; Tumor predisposition; Hereditary Cancer Syndrome; Hereditary neoplastic syndrome. Identifiers: Orphanet 140162, MedGen C0027672, MeSH D009386, MONDO:0015356.

gnomAD v4.1: 2 of 1,614,052 alleles (0.00012%); highest among the groups gnomAD compares: Non-Finnish European, 0.00017%; no homozygotes.

Submission:

Ambry Genetics
Classification: Uncertain significance for Hereditary cancer-predisposing syndrome. Last evaluated: 2024-05-07. Review status: criteria provided, single submitter. Criteria: Ambry Variant Classification Scheme 2023. Collection method: clinical testing. Allele origin: germline.
Comment: The p.D131Y variant (also known as c.391G>T), located in coding exon 3 of the KIT gene, results from a G to T substitution at nucleotide position 391. The aspartic acid at codon 131 is replaced by tyrosine, an amino acid with highly dissimilar properties. This amino acid position is conserved. In addition, this alteration is predicted to be deleterious by in silico analysis. Since supporting evidence is limited at this time, the clinical significance of this alteration remains unclear.